The following is an entry in ClinVar:

ClinVar aggregate classification (germline): Uncertain significance (1 of 4 stars; one submission).

Submission:

GeneDx
Classification: Uncertain significance. Last evaluated: 2022-04-08. Review status: criteria provided, single submitter. Criteria: GeneDx Variant Classification Process June 2021. Collection method: clinical testing. Allele origin: germline. Affected: yes.
Comment: Not observed at significant frequency in large population cohorts (gnomAD); Frameshift variant predicted to result in protein truncation as the last 69 amino acids are replaced with 43 different amino acids, although loss-of-function variants have not been reported downstream of this position in the protein; Has not been previously published as pathogenic or benign to our knowledge

NM_003466.4(PAX8):c.1145del (p.Gly382fs)

Gene: PAX8 (paired box 8; minus strand). Cytogenetic location: 2q14.1.
Variant type: Deletion.
Coding change: c.1145del on transcript NM_003466.4 (MANE Select); coding-DNA position 1145, one base deleted (G; older notation c.1145delG).
Protein change: p.Gly382fs; shifts the reading frame from glycine 382.
Molecular consequence: frameshift variant. On other transcripts: intron variant (1).
Genome position (GRCh38, 1-based): chr2:113,227,199, C deleted on the plus strand (G on the coding strand, the reverse complement: PAX8 is on the minus strand); the first of 2 consecutive C bases (chr2:113,227,199-113,227,200); deleting either gives the same sequence. VCF-style (leftmost placement, unchanged base first): chr2-113227198-TC-T. GRCh37 (hg19) VCF-style: chr2-113984775-TC-T.
Other names: c.1066del, p.Asp356fs (NM_013952.4); c.835del, p.Asp279fs (NM_013953.4); c.778-7021del (NM_013992.4); short protein forms D279fs, D356fs, G382fs.
Identifiers: ClinVar variation 1708803 (VCV001708803.2), dbSNP rs2466833083, ClinGen allele CA2580063759.